The following is an entry in ClinVar:

ClinVar aggregate classification (germline): Likely benign. Review status: criteria provided, multiple submitters, no conflicts (2 of 4 stars). 5 submissions from 5 submitters: Likely benign (5). Last evaluated 2025-08-05.

Conditions:
Aortic aneurysm, familial thoracic 4 (AAT4). Also called: AORTIC ANEURYSM/AORTIC DISSECTION AND PATENT DUCTUS ARTERIOSUS. Identifiers: MedGen C1851504, MONDO:0007568, OMIM 132900.
Familial thoracic aortic aneurysm and aortic dissection (TAAD). Also called: Thoracic aortic aneurysms and dissections. Identifiers: Orphanet 91387, MedGen C4707243, MONDO:0019625.

Allele frequency attached by ClinVar (database versions not stated): TOPMed 0.00001.
gnomAD v4.1: 16 of 1,613,634 alleles (0.00099%); highest among the groups gnomAD compares: East Asian, 0.033%; no homozygotes.

Submissions (5):

Labcorp Genetics (formerly Invitae), Labcorp
Classification: Likely benign for Aortic aneurysm, familial thoracic 4. Last evaluated: 2025-08-05. Review status: criteria provided, single submitter. Criteria: Invitae Variant Classification Sherloc (09022015). Collection method: clinical testing. Allele origin: germline.

All of Us Research Program, National Institutes of Health
Classification: Likely benign for Familial thoracic aortic aneurysm and aortic dissection. Last evaluated: 2023-11-02. Review status: criteria provided, single submitter. Criteria: ACMG Guidelines, 2015. Collection method: clinical testing. Allele origin: germline. Inheritance: Autosomal dominant inheritance. Observed: 3 variant alleles, 3 heterozygotes.
Comment: This study involves interpretation of variants in research participants for the purpose of population health screening. Participant phenotype was not available at the time of variant classification. Additional details can be found in publication PMID: 35346344, PMCID: PMC8962531

ARUP Laboratories, Molecular Genetics and Genomics, ARUP Laboratories
Classification: Likely benign. Last evaluated: 2023-03-06. Review status: criteria provided, single submitter. Criteria: ARUP Molecular Germline Variant Investigation Process 2024. Collection method: clinical testing. Allele origin: germline.

Ambry Genetics
Classification: Likely benign for Familial thoracic aortic aneurysm and aortic dissection. Last evaluated: 2019-07-10. Review status: criteria provided, single submitter. Criteria: Ambry Variant Classification Scheme 2023. Collection method: clinical testing. Allele origin: germline.

Color Diagnostics, LLC DBA Color Health
Classification: Likely benign for Familial thoracic aortic aneurysm and aortic dissection. Last evaluated: 2019-01-07. Review status: criteria provided, single submitter. Criteria: ACMG Guidelines, 2015. Collection method: clinical testing. Allele origin: germline.

NM_002474.3(MYH11):c.5163G>T (p.Leu1721=)

Genes: NDE1 (nudE neurodevelopment protein 1; plus strand), MYH11 (myosin heavy chain 11; minus strand). Cytogenetic location: 16p13.11.
Variant type: single nucleotide variant.
Coding change: c.5163G>T on transcript NM_002474.3 (MANE Select); coding-DNA position 5163, G replaced by T.
Protein change: p.Leu1721=; no amino-acid change (leucine 1721 retained).
Molecular consequence: synonymous variant. On other transcripts: intron variant (2).
Genome position (GRCh38, 1-based): chr16:15,719,228, C>A on the plus strand (G>T on the coding strand, the complement: MYH11 is on the minus strand). VCF-style: chr16-15719228-C-A. GRCh37 (hg19) VCF-style: chr16-15813085-C-A.
Other names: c.5184G>T, p.Leu1728= (NM_001040113.2, NM_001040114.2); c.5163G>T, p.Leu1721= (NM_022844.3); c.948-4963C>A (NM_001143979.2, NM_017668.3).
Identifiers: ClinVar variation 925752 (VCV000925752.14), dbSNP rs777919235, ClinGen allele CA7921402.